The following is an entry in ClinVar:

NM_006364.4(SEC23A):c.2038A>G (p.Asn680Asp)

Gene: SEC23A (SEC23 homolog A, COPII component; minus strand). Cytogenetic location: 14q21.1.
Variant type: single nucleotide variant.
Coding change: c.2038A>G on transcript NM_006364.4 (MANE Select); coding-DNA position 2038, A replaced by G.
Protein change: p.Asn680Asp; replaces asparagine 680 with aspartic acid.
Molecular consequence: missense variant.
Genome position (GRCh38, 1-based): chr14:39,040,836, T>C on the plus strand (A>G on the coding strand, the complement: SEC23A is on the minus strand). VCF-style: chr14-39040836-T-C. GRCh37 (hg19) VCF-style: chr14-39510040-T-C.
Other names: c.2038A>G (NM_006364.2); short protein forms N680D.
Identifiers: ClinVar variation 1346764 (VCV001346764.10), dbSNP rs200050093, ClinGen allele CA7161676.

ClinVar aggregate classification (germline): Uncertain significance. Review status: criteria provided, multiple submitters, no conflicts (2 of 4 stars). 2 submissions from 2 submitters: Uncertain significance (2). Last evaluated 2025-11-17.

Conditions:
Craniolenticulosutural dysplasia (CLSD). Also called: BOYADJIEV-JABS SYNDROME. Identifiers: Orphanet 50814, MedGen C1843042, MONDO:0011911, OMIM 607812.

Allele frequency attached by ClinVar (database versions not stated): ExAC 0.00006; ESP Exome Variant Server 0.00008; gnomAD 0.00009 and 0.00010; TOPMed 0.00012; gnomAD exomes 0.00013 and 0.00036.
gnomAD v4.1: 529 of 1,614,058 alleles (0.033%); highest among the groups gnomAD compares: Non-Finnish European, 0.043%; no homozygotes.

Submissions (2):

Labcorp Genetics (formerly Invitae), Labcorp
Classification: Uncertain significance for Craniolenticulosutural dysplasia. Last evaluated: 2025-11-17. Review status: criteria provided, single submitter. Criteria: Invitae Variant Classification Sherloc (09022015). Collection method: clinical testing. Allele origin: germline.
Comment: This sequence change replaces asparagine, which is neutral and polar, with aspartic acid, which is acidic and polar, at codon 680 of the SEC23A protein (p.Asn680Asp). This variant is present in population databases (rs200050093, gnomAD 0.02%). This variant has not been reported in the literature in individuals affected with SEC23A-related conditions. ClinVar contains an entry for this variant (Variation ID: 1346764). Invitae Evidence Modeling of protein sequence and biophysical properties (such as structural, functional, and spatial information, amino acid conservation, physicochemical variation, residue mobility, and thermodynamic stability) indicates that this missense variant is not expected to disrupt SEC23A protein function with a negative predictive value of 80%. In summary, the available evidence is currently insufficient to determine the role of this variant in disease. Therefore, it has been classified as a Variant of Uncertain Significance.

Ambry Genetics
Classification: Uncertain significance. Last evaluated: 2025-04-18. Review status: criteria provided, single submitter. Criteria: Ambry Variant Classification Scheme 2023. Collection method: clinical testing. Allele origin: germline.